The following is an entry in ClinVar:

NM_003647.3(DGKE):c.129G>A (p.Gln43=)

Gene: DGKE (diacylglycerol kinase epsilon; plus strand). Cytogenetic location: 17q22.
Variant type: single nucleotide variant.
Coding change: c.129G>A on transcript NM_003647.3 (MANE Select); coding-DNA position 129, G replaced by A.
Protein change: p.Gln43=; no amino-acid change (glutamine 43 retained).
Molecular consequence: synonymous variant.
Genome position (GRCh38, 1-based): chr17:56,834,924, G>A. VCF-style: chr17-56834924-G-A. GRCh37 (hg19) VCF-style: chr17-54912285-G-A.
Identifiers: ClinVar variation 731569 (VCV000731569.38), dbSNP rs139071284, ClinGen allele CA8663430.

ClinVar aggregate classification (germline): Benign/Likely benign. Review status: criteria provided, multiple submitters, no conflicts (2 of 4 stars). 7 submissions from 7 submitters: Benign (2); Likely benign (3). 2 of the submissions do not count toward it. Last evaluated 2026-02-03.

Conditions:
Immunoglobulin-mediated membranoproliferative glomerulonephritis. Also called: NEPHROTIC SYNDROME, TYPE 7, WITH MEMBRANOPROLIFERATIVE GLOMERULONEPHRITIS; Nephrotic syndrome, type 7. Identifiers: Orphanet 329903, MedGen C3554330, MONDO:0014005, OMIM 615008.

Allele frequency attached by ClinVar (database versions not stated): 1000 Genomes Project 0.00080; 1000 Genomes Project 30x 0.00094; ESP Exome Variant Server 0.00161; gnomAD 0.00194 and 0.00202; gnomAD exomes 0.00196 and 0.00220; TOPMed 0.00209; ExAC 0.00219.
gnomAD v4.1: 3,503 of 1,613,600 alleles (0.22%); highest among the groups gnomAD compares: Non-Finnish European, 0.26%; 8 homozygotes.

Submissions (7):

Labcorp Genetics (formerly Invitae), Labcorp
Classification: Benign. Last evaluated: 2026-02-03. Review status: criteria provided, single submitter. Criteria: Invitae Variant Classification Sherloc (09022015). Collection method: clinical testing. Allele origin: germline.

Blueprint Genetics
Classification: Likely benign. Last evaluated: 2024-11-22. Review status: criteria provided, single submitter. Criteria: ACMG Guidelines, 2015. Collection method: clinical testing. Allele origin: germline.

CeGaT Center for Human Genetics Tuebingen
Classification: Likely benign. Last evaluated: 2023-10-01. Review status: criteria provided, single submitter. Criteria: CeGaT Center For Human Genetics Tuebingen Variant Classification Criteria Version 2. Collection method: clinical testing. Allele origin: germline. Affected: yes. Observed: 1 variant allele.
Comment: DGKE: BP4, BP7

Fulgent Genetics
Classification: Likely benign for Immunoglobulin-mediated membranoproliferative glomerulonephritis. Last evaluated: 2021-07-26. Review status: criteria provided, single submitter. Criteria: ACMG Guidelines, 2015. Collection method: clinical testing. Allele origin: unknown.

Breakthrough Genomics
Classification: Benign. Review status: criteria provided, single submitter. Criteria: ACMG Guidelines, 2015. Collection method: not provided. Allele origin: germline. Inheritance: Autosomal recessive inheritance. Affected: yes.

Clinical Genetics DNA and cytogenetics Diagnostics Lab, Erasmus MC, Erasmus Medical Center
Classification: Likely benign. Review status: no assertion criteria provided. Collection method: clinical testing. Allele origin: germline. Affected: yes. Study: VKGL Data-share Consensus. Not counted in ClinVar's aggregate classification.

Genome Diagnostics Laboratory, University Medical Center Utrecht
Classification: Likely benign. Review status: no assertion criteria provided. Collection method: clinical testing. Allele origin: germline. Affected: yes. Study: VKGL Data-share Consensus. Not counted in ClinVar's aggregate classification.